The following is an entry in ClinVar:

ClinVar aggregate classification (germline): Likely benign (1 of 4 stars; one submission).

Allele frequency attached by ClinVar (database versions not stated): ESP Exome Variant Server 0.00009; gnomAD exomes 0.00021; ExAC 0.00022; gnomAD 0.00046.
gnomAD v4.1: 359 of 1,545,182 alleles (0.023%); highest among the groups gnomAD compares: Admixed American, 0.14%; 2 homozygotes.

Submission:

CeGaT Center for Human Genetics Tuebingen
Classification: Likely benign. Last evaluated: 2022-06-01. Review status: criteria provided, single submitter. Criteria: CeGaT Center For Human Genetics Tuebingen Variant Classification Criteria Version 2. Collection method: clinical testing. Allele origin: germline. Affected: yes. Observed: 1 variant allele.
Comment: NCKAP5: BP4, BP7

NM_207363.3(NCKAP5):c.657C>T (p.Asn219=)

Gene: NCKAP5 (NCK associated protein 5; minus strand). Cytogenetic location: 2q21.2.
Variant type: single nucleotide variant.
Coding change: c.657C>T on transcript NM_207363.3 (MANE Select); coding-DNA position 657, C replaced by T.
Protein change: p.Asn219=; no amino-acid change (asparagine 219 retained).
Molecular consequence: synonymous variant.
Genome position (GRCh38, 1-based): chr2:132,868,966, G>A on the plus strand (C>T on the coding strand, the complement: NCKAP5 is on the minus strand). VCF-style: chr2-132868966-G-A. GRCh37 (hg19) VCF-style: chr2-133626539-G-A.
Other names: c.657C>T, p.Asn219= (NM_207481.4).
Identifiers: ClinVar variation 2651378 (VCV002651378.24), dbSNP rs376932881, ClinGen allele CA1881431.